The following is an entry in ClinVar:

ClinVar aggregate classification (germline): Likely benign. Review status: reviewed by expert panel (3 of 4 stars). 5 submissions from 5 submitters: Likely benign (1). 4 of the submissions do not count toward it. Last evaluated 2024-08-13.

Conditions:
Hereditary von Willebrand disease. Identifiers: Orphanet 903, MedGen C5703318, MONDO:0019565. Inheritance: Autosomal recessive or Autosomal dominant.

Allele frequency attached by ClinVar (database versions not stated): gnomAD exomes 0.00070 and 0.00198; ExAC 0.00230; gnomAD 0.00740 and 0.00774; ESP Exome Variant Server 0.00792; TOPMed 0.00868; 1000 Genomes Project 0.01238; 1000 Genomes Project 30x 0.01296.
gnomAD v4.1: 2,204 of 1,614,184 alleles (0.14%); highest among the groups gnomAD compares: African/African-American, 2.4%; 29 homozygotes.

Submissions (5):

ClinGen von Willebrand Disease Variant Curation Expert Panel, ClinGen
Classification: Likely benign for Hereditary von Willebrand disease. Last evaluated: 2024-08-13. Review status: reviewed by expert panel. Criteria: ClinGen VWD 2A B M Rules. Collection method: curation. Allele origin: germline.
Comment: NM_000552.5(VWF):c.5173C>T is a missense variant that replaces proline with serine at position 1725. T The Grpmax filtering allele frequency in gnomAD v4.1 is 0.02354 (based on 1836/75022 alleles in the African / African-American population, with 27 homozygotes), which is higher than the ClinGen VWD VCEP threshold of >0.01 for BS1. While this variant has been reported in healthy control individuals (PMID: 22197721), BS2 is not being used due to penetrance issues. In summary, this variant meets the criteria to be classified as Likely Benign for hereditary von Willebrand disease based on the ACMG/AMP criteria applied, as specified by the ClinGen VWD VCEP: BS1.

Mayo Clinic Laboratories, Mayo Clinic
Classification: Benign. Last evaluated: 2025-08-13. Review status: criteria provided, single submitter. Criteria: ACMG Guidelines, 2015. Collection method: clinical testing. Allele origin: germline. Observed: 5 variant alleles. Not counted in ClinVar's aggregate classification.
Comment: BS1, BS2, BP6

ARUP Laboratories, Molecular Genetics and Genomics, ARUP Laboratories
Classification: Benign. Last evaluated: 2025-07-24. Review status: criteria provided, single submitter. Criteria: ARUP Molecular Germline Variant Investigation Process 2024. Collection method: clinical testing. Allele origin: germline. Not counted in ClinVar's aggregate classification.

Quest Diagnostics Nichols Institute San Juan Capistrano
Classification: Benign. Last evaluated: 2022-07-15. Review status: criteria provided, single submitter. Criteria: Quest Diagnostics criteria. Collection method: clinical testing. Allele origin: unknown. Not counted in ClinVar's aggregate classification.

Breakthrough Genomics
Classification: Benign. Review status: criteria provided, single submitter. Criteria: ACMG Guidelines, 2015. Collection method: not provided. Allele origin: germline. Inheritance: Autosomal recessive inheritance. Affected: yes. Not counted in ClinVar's aggregate classification.

Literature cited by the submitters: PubMed 22197721 (cited by Mayo Clinic Laboratories, Mayo Clinic and Quest Diagnostics Nichols Institute San Juan Capistrano); PubMed 33556167 (cited by Mayo Clinic Laboratories, Mayo Clinic and Quest Diagnostics Nichols Institute San Juan Capistrano).

NM_000552.5(VWF):c.5173C>T (p.Pro1725Ser)

Gene: VWF (von Willebrand factor; minus strand). Cytogenetic location: 12p13.31.
Variant type: single nucleotide variant.
Coding change: c.5173C>T on transcript NM_000552.5 (MANE Select); coding-DNA position 5173, C replaced by T.
Protein change: p.Pro1725Ser; replaces proline 1725 with serine.
Molecular consequence: missense variant.
Genome position (GRCh38, 1-based): chr12:6,016,654, G>A on the plus strand (C>T on the coding strand, the complement: VWF is on the minus strand). VCF-style: chr12-6016654-G-A. GRCh37 (hg19) VCF-style: chr12-6125820-G-A.
Other names: p.Pro1725Ser; NM_000552.5(VWF):c.5173C>T; c.5173C>T (NM_000552.4); short protein forms P1725S.
Identifiers: ClinVar variation 619937 (VCV000619937.10), dbSNP rs78302129, ClinGen allele CA6402355.